The following is an entry in ClinVar:

NM_022575.4(VPS16):c.156C>A (p.Asn52Lys)

Gene: VPS16 (VPS16 core subunit of CORVET and HOPS complexes; plus strand). Cytogenetic location: 20p13.
Variant type: single nucleotide variant.
Coding change: c.156C>A on transcript NM_022575.4 (MANE Select); coding-DNA position 156, C replaced by A.
Protein change: p.Asn52Lys; replaces asparagine 52 with lysine.
Molecular consequence: missense variant.
Genome position (GRCh38, 1-based): chr20:2,860,067, C>A. VCF-style: chr20-2860067-C-A. GRCh37 (hg19) VCF-style: chr20-2840713-C-A.
Other names: c.156C>A, p.Asn52Lys (NM_080413.3); short protein forms N52K.
Identifiers: ClinVar variation 1065418 (VCV001065418.2), dbSNP rs367642720, ClinGen allele CA9737274.

ClinVar aggregate classification (germline): Uncertain significance. Review status: criteria provided, single submitter (1 of 4 stars). 2 submissions from 2 submitters: Uncertain significance (1). 1 of the submissions does not count toward it. Last evaluated 2025-04-30.

Conditions:
Dystonia 30. Identifiers: MedGen C5543312, MONDO:0025691, OMIM 619291.
VPS16-related disorder. Also called: VPS16-related condition.

Allele frequency attached by ClinVar (database versions not stated): gnomAD exomes 0.00005 and 0.00027; gnomAD 0.00009 and 0.00012; TOPMed 0.00016; ExAC 0.00024; 1000 Genomes Project 30x 0.00078; 1000 Genomes Project 0.00080.

Submissions (2):

PreventionGenetics, part of Exact Sciences
Classification: Uncertain significance for VPS16-related condition. Last evaluated: 2025-04-30. Review status: criteria provided, single submitter. Criteria: ACMG Guidelines, 2015. Collection method: clinical testing. Allele origin: germline.
Comment: The VPS16 c.156C>A variant is predicted to result in the amino acid substitution p.Asn52Lys. This variant has been reported in the homozygous state in several family members with adolescent-onset dystonia; co-segregation with dystonia was shown in this family, and functional studies supported its pathogenicity (Cai et al. 2016. PubMed ID: 27174565; Sofou et al. 2021. PubMed ID: 33938619). Variant carriers were unaffected. This variant is reported in 0.32% of alleles in individuals of East Asian descent in gnomAD, including one homozygote. This high frequency in a population database calls the pathogenicity of this variant into question. Although we suspect this variant may be causative for an autosomal recessive form of VPS16-related dystonia, evidence is currently limited for an autosomal recessive mechanism of inheritance for this gene. This variant is classified as a variant of uncertain significance in relation to autosomal dominant VPS16-related dystonia.

OMIM
Classification: Pathogenic for DYSTONIA 30, AUTOSOMAL RECESSIVE. Last evaluated: 2021-04-30. Review status: no assertion criteria provided. Collection method: literature only. Allele origin: germline. Not counted in ClinVar's aggregate classification.

Literature cited by the submitters: PubMed 27174565 (cited by OMIM).